The following is an entry in ClinVar:

NM_001278116.2(L1CAM):c.2381A>G (p.Gln794Arg)

Gene: L1CAM (L1 cell adhesion molecule; minus strand). Cytogenetic location: Xq28.
Variant type: single nucleotide variant.
Coding change: c.2381A>G on transcript NM_001278116.2 (MANE Select); coding-DNA position 2381, A replaced by G.
Protein change: p.Gln794Arg; replaces glutamine 794 with arginine.
Molecular consequence: missense variant.
Genome position (GRCh38, 1-based): chrX:153,866,699, T>C on the plus strand (A>G on the coding strand, the complement: L1CAM is on the minus strand). VCF-style: chrX-153866699-T-C. GRCh37 (hg19) VCF-style: chrX-153132154-T-C.
Other names: c.2381A>G, p.Gln794Arg (NM_000425.5, NM_024003.3); c.2366A>G, p.Gln789Arg (NM_001143963.2); short protein forms Q794R, Q789R.
Identifiers: ClinVar variation 2811237 (VCV002811237.3), dbSNP rs2520984298, ClinGen allele CA415118413.

ClinVar aggregate classification (germline): Uncertain significance (1 of 4 stars; one submission).

Conditions:
Spastic paraplegia. Identifiers: MedGen C0037772, HP:0001258.

Submission:

Labcorp Genetics (formerly Invitae), Labcorp
Classification: Uncertain significance for Spastic paraplegia. Last evaluated: 2023-12-11. Review status: criteria provided, single submitter. Criteria: Invitae Variant Classification Sherloc (09022015). Collection method: clinical testing. Allele origin: germline.
Comment: This sequence change replaces glutamine, which is neutral and polar, with arginine, which is basic and polar, at codon 794 of the L1CAM protein (p.Gln794Arg). This variant is not present in population databases (gnomAD no frequency). This variant has not been reported in the literature in individuals affected with L1CAM-related conditions. Advanced modeling of protein sequence and biophysical properties (such as structural, functional, and spatial information, amino acid conservation, physicochemical variation, residue mobility, and thermodynamic stability) performed at Invitae indicates that this missense variant is not expected to disrupt L1CAM protein function with a negative predictive value of 95%. In summary, the available evidence is currently insufficient to determine the role of this variant in disease. Therefore, it has been classified as a Variant of Uncertain Significance.